The following is an entry in ClinVar:

ClinVar aggregate classification (germline): Conflicting classifications of pathogenicity. Review status: criteria provided, conflicting classifications (1 of 4 stars). 2 submissions from 2 submitters: Uncertain significance (1); Likely benign (1). Last evaluated 2025-08-19.

Conditions:
Charcot-Marie-Tooth disease axonal type 2P. Also called: CHARCOT-MARIE-TOOTH NEUROPATHY, TYPE 2P; Charcot-Marie-Tooth Neuropathy Type 2G; CHARCOT-MARIE-TOOTH DISEASE, AXONAL, TYPE 2G; CMT 2G. Identifiers: Orphanet 300319, Orphanet 99941, MedGen C3280797, MONDO:0013753, OMIM 614436.

Allele frequency attached by ClinVar (database versions not stated): gnomAD exomes below 0.00001; gnomAD 0.00001; TOPMed 0.00001.
gnomAD v4.1: 3 of 1,613,338 alleles (0.00019%); highest among the groups gnomAD compares: African/African-American, 0.0027%; no homozygotes.

Submissions (2):

Labcorp Genetics (formerly Invitae), Labcorp
Classification: Uncertain significance for Charcot-Marie-Tooth disease axonal type 2P. Last evaluated: 2025-08-19. Review status: criteria provided, single submitter. Criteria: Invitae Variant Classification Sherloc (09022015). Collection method: clinical testing. Allele origin: germline.
Comment: This sequence change affects codon 566 of the LRSAM1 mRNA. It is a 'silent' change, meaning that it does not change the encoded amino acid sequence of the LRSAM1 protein. It affects a nucleotide within the consensus splice site. This variant is present in population databases (no rsID available, gnomAD 0.1%). This variant has not been reported in the literature in individuals affected with LRSAM1-related conditions. ClinVar contains an entry for this variant (Variation ID: 836464). Algorithms developed to predict the effect of sequence changes on RNA splicing suggest that this variant is not likely to affect RNA splicing. In summary, the available evidence is currently insufficient to determine the role of this variant in disease. Therefore, it has been classified as a Variant of Uncertain Significance.

CeGaT Center for Human Genetics Tuebingen
Classification: Likely benign. Last evaluated: 2021-01-01. Review status: criteria provided, single submitter. Criteria: CeGaT Center For Human Genetics Tuebingen Variant Classification Criteria Version 2. Collection method: clinical testing. Allele origin: germline. Affected: yes. Observed: 1 variant allele.

NM_001005373.4(LRSAM1):c.1698A>G (p.Gln566=)

Gene: LRSAM1 (leucine rich repeat and sterile alpha motif containing 1; plus strand). Cytogenetic location: 9q33.3.
Variant type: single nucleotide variant.
Coding change: c.1698A>G on transcript NM_001005373.4 (MANE Select); coding-DNA position 1698, A replaced by G.
Protein change: p.Gln566=; no amino-acid change (glutamine 566 retained).
Molecular consequence: synonymous variant. On other transcripts: non-coding transcript variant (2), intron variant (1).
Genome position (GRCh38, 1-based): chr9:127,495,418, A>G. VCF-style: chr9-127495418-A-G. GRCh37 (hg19) VCF-style: chr9-130257697-A-G.
Other names: c.1698A>G, p.Gln566= (NM_001005374.4, NM_001384142.1, NM_138361.5); c.1617A>G, p.Gln539= (NM_001190723.3); c.909A>G, p.Gln303= (NM_001384144.1); c.1600-546A>G (NM_001384143.1).
Identifiers: ClinVar variation 836464 (VCV000836464.44), dbSNP rs1256215388, ClinGen allele CA467234238.